The following is an entry in ClinVar:

ClinVar aggregate classification (germline): Benign (1 of 4 stars; one submission).

Submission:

CeGaT Center for Human Genetics Tuebingen
Classification: Benign. Last evaluated: 2024-07-01. Review status: criteria provided, single submitter. Criteria: CeGaT Center For Human Genetics Tuebingen Variant Classification Criteria Version 2. Collection method: clinical testing. Allele origin: germline. Affected: yes. Observed: 1 variant allele.
Comment: CYP21A2: BS1, BS2

NC_000006.12:g.32038141T>G

Genes: CYP21A2 (cytochrome P450 family 21 subfamily A member 2; plus strand), LOC106780800 (CYP21A2 recombination region; plus strand), LOC110631417 (CYP21A2 5' regulatory region; plus strand). Cytogenetic location: 6p21.33.
Variant type: single nucleotide variant.
Genome position: GRCh38 VCF-style: chr6-32038141-T-G. GRCh37 (hg19) VCF-style: chr6-32005918-T-G.
Identifiers: ClinVar variation 3341579 (VCV003341579.16).
Genomic context (GRCh38, chr6:32,038,141, plus strand): 5'-CCACGGTGGGGTGGCAGAGGGAGAGGGCCCAGGTGGGGGCGGACACTATTGCCTGCACAG[T>G]TGATGTGGAACCAGAAAGCTGACTCTGGATGCAGGAAAAAGGTCAGGGTTGCATTTCCCT-3'